The following is an entry in ClinVar:

NM_001089.3(ABCA3):c.2708dup (p.His904fs)

Gene: ABCA3 (ATP binding cassette subfamily A member 3; minus strand). Cytogenetic location: 16p13.3.
Variant type: Duplication.
Coding change: c.2708dup on transcript NM_001089.3 (MANE Select); coding-DNA position 2708, one base duplicated (T; older notation c.2708dupT).
Protein change: p.His904fs; shifts the reading frame from histidine 904.
Molecular consequence: frameshift variant.
Genome position (GRCh38, 1-based): chr16:2,288,322, A duplicated on the plus strand (T on the coding strand, the reverse complement: ABCA3 is on the minus strand). VCF-style (leftmost placement, unchanged base first): chr16-2288321-C-CA. GRCh37 (hg19) VCF-style: chr16-2338322-C-CA.
Other names: short protein forms H904fs.
Identifiers: ClinVar variation 2857174 (VCV002857174.3), dbSNP rs2505627637, ClinGen allele CA2739269869.

ClinVar aggregate classification (germline): Pathogenic (1 of 4 stars; one submission).

Submission:

Labcorp Genetics (formerly Invitae), Labcorp
Classification: Pathogenic. Last evaluated: 2023-04-17. Review status: criteria provided, single submitter. Criteria: Invitae Variant Classification Sherloc (09022015). Collection method: clinical testing. Allele origin: germline.
Comment: This sequence change creates a premature translational stop signal (p.His904Alafs*90) in the ABCA3 gene. It is expected to result in an absent or disrupted protein product. Loss-of-function variants in ABCA3 are known to be pathogenic (PMID: 27516224). This variant is not present in population databases (gnomAD no frequency). For these reasons, this variant has been classified as Pathogenic. This variant has not been reported in the literature in individuals affected with ABCA3-related conditions.

Literature cited by the submitters: PubMed 27516224.